The following is an entry in ClinVar:

ClinVar aggregate classification (germline): Uncertain significance (1 of 4 stars; one submission).

Conditions:
Myofibrillar myopathy 5. Also called: FILAMINOPATHY, AUTOSOMAL DOMINANT; Filaminopathy (type). Identifiers: Orphanet 171445, MedGen C1836050, MONDO:0012289, OMIM 609524.
Distal myopathy with posterior leg and anterior hand involvement. Also called: WILLIAMS DISTAL MYOPATHY. Identifiers: Orphanet 63273, MedGen C3279722, MONDO:0013550, OMIM 614065.
Hypertrophic cardiomyopathy 26. Also called: Cardiomyopathy, familial hypertrophic, 26. Identifiers: Orphanet 75249, MedGen C4310749, MONDO:0014883, OMIM 617047.

Submission:

Labcorp Genetics (formerly Invitae), Labcorp
Classification: Uncertain significance for Distal myopathy with posterior leg and anterior hand involvement; Myofibrillar myopathy 5; Hypertrophic cardiomyopathy 26. Last evaluated: 2026-01-21. Review status: criteria provided, single submitter. Criteria: Invitae Variant Classification Sherloc (09022015). Collection method: clinical testing. Allele origin: germline.
Comment: This sequence change replaces serine, which is neutral and polar, with proline, which is neutral and non-polar, at codon 2539 of the FLNC protein (p.Ser2539Pro). This variant is not present in population databases (gnomAD no frequency). This variant has not been reported in the literature in individuals affected with FLNC-related conditions. Invitae Evidence Modeling of protein sequence and biophysical properties (such as structural, functional, and spatial information, amino acid conservation, physicochemical variation, residue mobility, and thermodynamic stability) indicates that this missense variant is not expected to disrupt FLNC protein function with a negative predictive value of 80%. In summary, the available evidence is currently insufficient to determine the role of this variant in disease. Therefore, it has been classified as a Variant of Uncertain Significance.

NM_001458.5(FLNC):c.7615T>C (p.Ser2539Pro)

Genes: FLNC-AS1 (FLNC antisense RNA 1; minus strand), FLNC (filamin C; plus strand). Cytogenetic location: 7q32.1.
Variant type: single nucleotide variant.
Coding change: c.7615T>C on transcript NM_001458.5 (MANE Select); coding-DNA position 7615, T replaced by C.
Protein change: p.Ser2539Pro; replaces serine 2539 with proline.
Molecular consequence: missense variant.
Genome position (GRCh38, 1-based): chr7:128,857,171, T>C. VCF-style: chr7-128857171-T-C. GRCh37 (hg19) VCF-style: chr7-128497225-T-C.
Other names: c.7516T>C, p.Ser2506Pro (NM_001127487.2); short protein forms S2506P, S2539P.
Identifiers: ClinVar variation 4812361 (VCV004812361.1).